The following is an entry in ClinVar:

NM_000077.5(CDKN2A):c.254C>T (p.Ala85Val)

Gene: CDKN2A (cyclin dependent kinase inhibitor 2A; minus strand). Cytogenetic location: 9p21.3.
Variant type: single nucleotide variant.
Coding change: c.254C>T on transcript NM_000077.5; coding-DNA position 254, C replaced by T.
Protein change: p.Ala85Val; replaces alanine 85 with valine.
Molecular consequence: missense variant (on NM_000077.6). On other transcripts: synonymous variant (1), 3 prime UTR variant (1).
Genome position (GRCh38, 1-based): chr9:21,971,105, G>A on the plus strand (C>T on the coding strand, the complement: CDKN2A is on the minus strand). VCF-style: chr9-21971105-G-A. GRCh37 (hg19) VCF-style: chr9-21971104-G-A.
Other names: c.254C>T, p.Ala85Val (NM_000077.6, NM_001195132.2); c.101C>T, p.Ala34Val (NM_001363763.2); c.297C>T, p.Arg99= (NM_058195.4); c.*177C>T (NM_058197.5); short protein forms A85V, A34V.
Identifiers: ClinVar variation 1438157 (VCV001438157.7), dbSNP rs2131094921, ClinGen allele CA373086223.
Genomic context (GRCh38, chr9:21,971,105, plus strand): 5'-TCCAGCCGCGCCCCGGCCCGGTGCAGCACCACCAGCGTGTCCAGGAAGCCCTCCCGGGCA[G>A]CGTCGTGCACGGGTCGGGTGAGAGTGGCGGGGTCGGCGCAGTTGGGCTCCGCGCCGTGGA-3'
Protein context (NP_000068.1, residues 75-95): PATLTRPVHD[Ala85Val]AREGFLDTLV

ClinVar aggregate classification (germline): Uncertain significance. Review status: criteria provided, multiple submitters, no conflicts (2 of 4 stars). 2 submissions from 2 submitters: Uncertain significance (2). Last evaluated 2025-06-17.

Conditions:
Hereditary cancer-predisposing syndrome. Also called: Tumor predisposition; Hereditary neoplastic syndrome; Neoplastic Syndromes, Hereditary; Hereditary Cancer Syndrome. Identifiers: Orphanet 140162, MedGen C0027672, MeSH D009386, MONDO:0015356.
Familial melanoma. Also called: Hereditary melanoma; Hereditary cutaneous melanoma. Identifiers: Orphanet 618, MedGen C1512419, MONDO:0018961.

Submissions (2):

Ambry Genetics
Classification: Uncertain significance for Hereditary cancer-predisposing syndrome. Last evaluated: 2025-06-17. Review status: criteria provided, single submitter. Criteria: Ambry Variant Classification Scheme 2023. Collection method: clinical testing. Allele origin: germline.
Comment: The p.A85V variant (also known as c.254C>T), located in coding exon 2 of the CDKN2A gene, results from a C to T substitution at nucleotide position 254. The alanine at codon 85 is replaced by valine, an amino acid with similar properties. This amino acid position is highly conserved in available vertebrate species. In addition, this alteration is predicted to be deleterious by in silico analysis. Of note, this alteration is also known as c.297C>T (p.R99R) in the p14(ARF) isoform. Based on the available evidence, the clinical significance of this variant remains unclear.

Labcorp Genetics (formerly Invitae), Labcorp
Classification: Uncertain significance for Familial melanoma. Last evaluated: 2023-06-23. Review status: criteria provided, single submitter. Criteria: Invitae Variant Classification Sherloc (09022015). Collection method: clinical testing. Allele origin: germline.
Comment: An algorithm developed to predict the effect of missense changes on protein structure and function (PolyPhen-2) suggests that this variant is likely to be disruptive. In summary, the available evidence is currently insufficient to determine the role of this variant in disease. Therefore, it has been classified as a Variant of Uncertain Significance. ClinVar contains an entry for this variant (Variation ID: 1438157). This sequence change replaces alanine, which is neutral and non-polar, with valine, which is neutral and non-polar, at codon 85 of the CDKN2A (p16INK4a) protein (p.Ala85Val). This variant is not present in population databases (gnomAD no frequency). This variant has not been reported in the literature in individuals affected with CDKN2A (p16INK4a)-related conditions.